The following is an entry in ClinVar:

NC_000011.9:g.(?_62457839)_(62472984_?)del

Gene: BSCL2 (BSCL2 lipid droplet biogenesis associated, seipin; minus strand). Cytogenetic location: 11q12.3.
Variant type: Deletion.
Identifiers: ClinVar variation 3244692 (VCV003244692.1).

ClinVar aggregate classification (germline): Pathogenic (1 of 4 stars; one submission).

Conditions:
Charcot-Marie-Tooth disease type 2. Also called: Charcot-Marie-Tooth type 2. Identifiers: Orphanet 64746, MedGen C0270914, MONDO:0018993.

Submission:

Labcorp Genetics (formerly Invitae), Labcorp
Classification: Pathogenic for Charcot-Marie-Tooth disease type 2. Last evaluated: 2023-08-23. Review status: criteria provided, single submitter. Criteria: Invitae Variant Classification Sherloc (09022015). Collection method: clinical testing. Allele origin: unknown.
Comment: A gross deletion of the genomic region encompassing the full coding sequence of the BSCL2 gene has been identified. Loss-of-function variants in BSCL2 are known to be pathogenic (PMID: 11479539, 23564749). The boundaries of this event are unknown as they extend beyond the assayed region for this gene and therefore may encompass additional genes. This variant has not been reported in the literature in individuals affected with BSCL2-related conditions. For these reasons, this variant has been classified as Pathogenic.

Literature cited by the submitters: PubMed 11479539; PubMed 23564749.